The following is an entry in ClinVar:

NM_152703.5(SAMD9L):c.2T>G (p.Met1Arg)

Gene: SAMD9L (sterile alpha motif domain containing 9 like; minus strand). Cytogenetic location: 7q21.2.
Variant type: single nucleotide variant.
Coding change: c.2T>G on transcript NM_152703.5 (MANE Select); coding-DNA position 2, T replaced by G.
Protein change: p.Met1Arg; changes the start codon (methionine 1).
Molecular consequence: missense variant, initiator codon variant.
Genome position (GRCh38, 1-based): chr7:93,135,970, A>C on the plus strand (T>G on the coding strand, the complement: SAMD9L is on the minus strand). VCF-style: chr7-93135970-A-C. GRCh37 (hg19) VCF-style: chr7-92765283-A-C.
Other names: c.2T>G, p.Met1Arg (NM_001303496.3, NM_001303497.3, NM_001303498.3 and 5 more transcripts); short protein forms M1R.
Identifiers: ClinVar variation 3368107 (VCV003368107.1).
Genomic context (GRCh38, chr7:93,135,970, plus strand): 5'-TTTTTCACATGCTCTTTGGTCCAGTCTTTAATCATTTCAGGTAGAGATACTTGTTTACTC[A>C]TATCAAAGCTTCAACTTCTTCCTGAGACAAAGCAATATAATAAGTATTTTAGAATTATAC-3'
Protein context (NP_689916.2, residues 1-11): [Met1Arg]SKQVSLPEMI

ClinVar aggregate classification (germline): Uncertain significance (1 of 4 stars; one submission).

Submission:

GeneDx
Classification: Uncertain significance. Last evaluated: 2024-01-25. Review status: criteria provided, single submitter. Criteria: GeneDx Variant Classification Process June 2021. Collection method: clinical testing. Allele origin: germline. Affected: yes.
Comment: Not observed at significant frequency in large population cohorts (gnomAD); Has not been previously published as pathogenic or benign to our knowledge; Initiation codon variant in a gene for which loss-of-function is not a known mechanism of disease